The following is an entry in ClinVar:

NM_015978.3(TNNI3K):c.2012-20_2015dup

Genes: FPGT-TNNI3K (FPGT-TNNI3K readthrough; plus strand), TNNI3K (TNNI3 interacting kinase; plus strand). Cytogenetic location: 1p31.1.
Variant type: Duplication.
Coding change: c.2012-20_2015dup on transcript NM_015978.3 (MANE Select); 20 bases into the intron before coding-DNA position 2012 through coding-DNA position 2015, 24 bases duplicated (CATGACCATTTGGTTTGCAGCGGC).
Molecular consequence: splice acceptor variant.
Genome position (GRCh38, 1-based): chr1:74,463,421-74,463,444, CATGACCATTTGGTTTGCAGCGGC duplicated. VCF-style (leftmost placement, unchanged base first): chr1-74463420-A-ACATGACCATTTGGTTTGCAGCGGC. GRCh37 (hg19) VCF-style: chr1-74929104-A-ACATGACCATTTGGTTTGCAGCGGC.
Other names: c.2315-20_2318dup (NM_001112808.3, NM_001199327.2).
Identifiers: ClinVar variation 2105354 (VCV002105354.4), dbSNP rs2524831170, ClinGen allele CA2580063220.
Genomic context (GRCh38, chr1:74,463,420, plus strand): 5'-CTTTTTGTGTGTGTGTGTCTTCATTTGTTGCTTGAAATAAACATGTGAATTTCAAAACTG[A>ACATGACCATTTGGTTTGCAGCGGC]CATGACCATTTGGTTTGCAGCGGCTGCGGCAGCAGACATGGCTTACCACCACATCAGACC-3'

ClinVar aggregate classification (germline): Uncertain significance (1 of 4 stars; one submission).

Submission:

Labcorp Genetics (formerly Invitae), Labcorp
Classification: Uncertain significance. Last evaluated: 2022-03-01. Review status: criteria provided, single submitter. Criteria: Invitae Variant Classification Sherloc (09022015). Collection method: clinical testing. Allele origin: germline.
Comment: In summary, the available evidence is currently insufficient to determine the role of this variant in disease. Therefore, it has been classified as a Variant of Uncertain Significance. Algorithms developed to predict the effect of sequence changes on RNA splicing suggest that this variant may disrupt the consensus splice site. This variant has not been reported in the literature in individuals affected with TNNI3K-related conditions. This variant is not present in population databases (gnomAD no frequency). This sequence change falls in intron 20 of the TNNI3K gene. It does not directly change the encoded amino acid sequence of the TNNI3K protein.